The following is an entry in ClinVar:

NM_000287.4(PEX6):c.125C>T (p.Pro42Leu)

Gene: PEX6 (peroxisomal biogenesis factor 6; minus strand). Cytogenetic location: 6p21.1.
Variant type: single nucleotide variant.
Coding change: c.125C>T on transcript NM_000287.4 (MANE Select); coding-DNA position 125, C replaced by T.
Protein change: p.Pro42Leu; replaces proline 42 with leucine.
Molecular consequence: missense variant. On other transcripts: non-coding transcript variant (1).
Genome position (GRCh38, 1-based): chr6:42,979,026, G>A on the plus strand (C>T on the coding strand, the complement: PEX6 is on the minus strand). VCF-style: chr6-42979026-G-A. GRCh37 (hg19) VCF-style: chr6-42946764-G-A.
Other names: c.125C>T, p.Pro42Leu (NM_001316313.2); short protein forms P42L.
Identifiers: ClinVar variation 1042154 (VCV001042154.9), dbSNP rs960906617, ClinGen allele CA364168948.

ClinVar aggregate classification (germline): Uncertain significance (1 of 4 stars; one submission).

Conditions:
Peroxisome biogenesis disorder. Identifiers: Orphanet 79189, MedGen C1832200, MONDO:0019234. Disease mechanism: loss of function.

Allele frequency attached by ClinVar (database versions not stated): gnomAD exomes below 0.00001.

Submission:

Labcorp Genetics (formerly Invitae), Labcorp
Classification: Uncertain significance for Peroxisome biogenesis disorder. Last evaluated: 2020-08-26. Review status: criteria provided, single submitter. Criteria: Invitae Variant Classification Sherloc (09022015). Collection method: clinical testing. Allele origin: germline.
Comment: In summary, the available evidence is currently insufficient to determine the role of this variant in disease. Therefore, it has been classified as a Variant of Uncertain Significance. Algorithms developed to predict the effect of missense changes on protein structure and function are either unavailable or do not agree on the potential impact of this missense change (SIFT: "Tolerated"; PolyPhen-2: "Probably Damaging"; Align-GVGD: "Class C0"). This sequence change replaces proline with leucine at codon 42 of the PEX6 protein (p.Pro42Leu). The proline residue is weakly conserved and there is a moderate physicochemical difference between proline and leucine. The frequency data for this variant in the population databases is considered unreliable, as metrics indicate insufficient coverage at this position in the ExAC database. This variant has not been reported in the literature in individuals with PEX6-related conditions.